The following is an entry in ClinVar:

NM_001009944.3(PKD1):c.9736del (p.Arg3246fs)

Gene: PKD1 (polycystin 1, transient receptor potential channel interacting; minus strand). Cytogenetic location: 16p13.3.
Variant type: Deletion.
Coding change: c.9736del on transcript NM_001009944.3 (MANE Select); coding-DNA position 9736, one base deleted (C; older notation c.9736delC).
Protein change: p.Arg3246fs; shifts the reading frame from arginine 3246.
Molecular consequence: frameshift variant.
Genome position (GRCh38, 1-based): chr16:2,100,048, G deleted on the plus strand (C on the coding strand, the reverse complement: PKD1 is on the minus strand); the first of 2 consecutive G bases (chr16:2,100,048-2,100,049); deleting either gives the same sequence. VCF-style (leftmost placement, unchanged base first): chr16-2100047-CG-C. GRCh37 (hg19) VCF-style: chr16-2150048-CG-C.
Other names: c.9736del, p.Arg3246fs (NM_000296.4); c.9736delC (NM_001009944.3); short protein forms R3246fs.
Identifiers: ClinVar variation 873337 (VCV000873337.1), dbSNP rs2092026801, ClinGen allele CA1139664432.

ClinVar aggregate classification (germline): Pathogenic (1 of 4 stars; one submission).

Conditions:
Polycystic kidney disease, adult type (PKD1). Also called: POLYCYSTIC KIDNEY DISEASE 1 WITH OR WITHOUT POLYCYSTIC LIVER DISEASE; Polycystic Kidney Disease 1, Autosomal Dominant; Polycystic kidney disease 1; Polycystic kidney disease 1, severe; Polycystic Kidney, Autosomal Dominant; POLYCYSTIC KIDNEY DISEASE, ADULT, TYPE I. Identifiers: MedGen C3149841, MONDO:0008263, OMIM 173900.

Submission:

Cavalleri Lab, Royal College of Surgeons in Ireland
Classification: Pathogenic for Polycystic kidney disease, adult type. Last evaluated: 2020-02-05. Review status: criteria provided, single submitter. Criteria: ACMG Guidelines, 2015. Collection method: research. Allele origin: unknown. Inheritance: Autosomal dominant inheritance. Affected: yes.
Comment: PVS1, PM2, PP4